The following is an entry in ClinVar:

NM_015178.3(RHOBTB2):c.2141C>T (p.Ala714Val)

Gene: RHOBTB2 (Rho related BTB domain containing 2; plus strand). Cytogenetic location: 8p21.3.
Variant type: single nucleotide variant.
Coding change: c.2141C>T on transcript NM_015178.3 (MANE Select); coding-DNA position 2141, C replaced by T.
Protein change: p.Ala714Val; replaces alanine 714 with valine.
Molecular consequence: missense variant.
Genome position (GRCh38, 1-based): chr8:23,017,426, C>T. VCF-style: chr8-23017426-C-T. GRCh37 (hg19) VCF-style: chr8-22874939-C-T.
Other names: c.2207C>T, p.Ala736Val (NM_001160036.2); c.2162C>T, p.Ala721Val (NM_001160037.2); c.2141C>T, p.Ala714Val (NM_001374791.1); short protein forms A714V, A736V, A721V.
Identifiers: ClinVar variation 3650334 (VCV003650334.2).

ClinVar aggregate classification (germline): Uncertain significance (1 of 4 stars; one submission).

Submission:

Labcorp Genetics (formerly Invitae), Labcorp
Classification: Uncertain significance. Last evaluated: 2024-04-18. Review status: criteria provided, single submitter. Criteria: Invitae Variant Classification Sherloc (09022015). Collection method: clinical testing. Allele origin: germline.
Comment: This sequence change replaces alanine, which is neutral and non-polar, with valine, which is neutral and non-polar, at codon 736 of the RHOBTB2 protein (p.Ala736Val). This variant is not present in population databases (gnomAD no frequency). This variant has not been reported in the literature in individuals affected with RHOBTB2-related conditions. Experimental studies and prediction algorithms are not available or were not evaluated, and the functional significance of this variant is currently unknown. Algorithms developed to predict the effect of sequence changes on RNA splicing suggest that this variant may create or strengthen a splice site. In summary, the available evidence is currently insufficient to determine the role of this variant in disease. Therefore, it has been classified as a Variant of Uncertain Significance.